The following is an entry in ClinVar:

ClinVar aggregate classification (germline): Uncertain significance. Review status: criteria provided, multiple submitters, no conflicts (2 of 4 stars). 4 submissions from 4 submitters: Uncertain significance (4). Last evaluated 2026-04-07.

Conditions:
Ullrich congenital muscular dystrophy 2 (UCMD2). Identifiers: Orphanet 75840, MedGen C4225314, MONDO:0014654, OMIM 616470.
Bethlem myopathy 2 (BTHLM2). Identifiers: Orphanet 536516, Orphanet 610, MedGen C4225313, MONDO:0034022, OMIM 616471.

Allele frequency attached by ClinVar (database versions not stated): gnomAD exomes below 0.00001 and 0.00005; ExAC 0.00001; gnomAD 0.00001; TOPMed 0.00002.

Submissions (4):

Women's Health and Genetics/Laboratory Corporation of America, LabCorp
Classification: Uncertain significance. Last evaluated: 2026-04-07. Review status: criteria provided, single submitter. Criteria: LabCorp Variant Classification Summary - May 2015. Collection method: clinical testing. Allele origin: germline.

Labcorp Genetics (formerly Invitae), Labcorp
Classification: Uncertain significance for Bethlem myopathy 2; Ullrich congenital muscular dystrophy 2. Last evaluated: 2026-01-18. Review status: criteria provided, single submitter. Criteria: Invitae Variant Classification Sherloc (09022015). Collection method: clinical testing. Allele origin: germline.
Comment: This sequence change replaces lysine, which is basic and polar, with glutamic acid, which is acidic and polar, at codon 34 of the COL12A1 protein (p.Lys34Glu). The frequency data for this variant in the population databases is considered unreliable, as metrics indicate poor data quality at this position in the gnomAD database. This variant has not been reported in the literature in individuals affected with COL12A1-related conditions. ClinVar contains an entry for this variant (Variation ID: 577239). Invitae Evidence Modeling of protein sequence and biophysical properties (such as structural, functional, and spatial information, amino acid conservation, physicochemical variation, residue mobility, and thermodynamic stability) indicates that this missense variant is not expected to disrupt COL12A1 protein function with a negative predictive value of 80%. In summary, the available evidence is currently insufficient to determine the role of this variant in disease. Therefore, it has been classified as a Variant of Uncertain Significance.

Mayo Clinic Laboratories, Mayo Clinic
Classification: Uncertain significance. Last evaluated: 2023-12-07. Review status: criteria provided, single submitter. Criteria: ACMG Guidelines, 2015. Collection method: clinical testing. Allele origin: germline. Observed: 1 variant allele.
Comment: BP4

GeneDx
Classification: Uncertain significance. Last evaluated: 2019-05-01. Review status: criteria provided, single submitter. Criteria: GeneDx Variant Classification Process June 2021. Collection method: clinical testing. Allele origin: germline. Affected: yes.
Comment: Has not been previously published as pathogenic or benign to our knowledge; Not observed at a significant frequency in large population cohorts (Lek et al., 2016); In silico analysis, which includes protein predictors and evolutionary conservation, supports that this variant does not alter protein structure/function; Reported in ClinVar as a variant of uncertain significance, but additional evidence is not available (ClinVar Variant ID# 577239; Landrum et al., 2016)

NM_004370.6(COL12A1):c.100A>G (p.Lys34Glu)

Gene: COL12A1 (collagen type XII alpha 1 chain; minus strand). Cytogenetic location: 6q13.
Variant type: single nucleotide variant.
Coding change: c.100A>G on transcript NM_004370.6 (MANE Select); coding-DNA position 100, A replaced by G.
Protein change: p.Lys34Glu; replaces lysine 34 with glutamic acid.
Molecular consequence: missense variant. On other transcripts: intron variant (1).
Genome position (GRCh38, 1-based): chr6:75,194,921, T>C on the plus strand (A>G on the coding strand, the complement: COL12A1 is on the minus strand). VCF-style: chr6-75194921-T-C. GRCh37 (hg19) VCF-style: chr6-75904637-T-C.
Other names: p.Lys34Glu; c.73+7799A>G (NM_080645.3); short protein forms K34E.
Identifiers: ClinVar variation 577239 (VCV000577239.14), dbSNP rs747183950, ClinGen allele CA3894518.